The following is an entry in ClinVar:

NM_016327.3(UPB1):c.640G>A (p.Gly214Arg)

Gene: UPB1 (beta-ureidopropionase 1; plus strand). Cytogenetic location: 22q11.23.
Variant type: single nucleotide variant.
Coding change: c.640G>A on transcript NM_016327.3 (MANE Select); coding-DNA position 640, G replaced by A.
Protein change: p.Gly214Arg; replaces glycine 214 with arginine.
Molecular consequence: missense variant.
Genome position (GRCh38, 1-based): chr22:24,515,219, G>A. VCF-style: chr22-24515219-G-A. GRCh37 (hg19) VCF-style: chr22-24911187-G-A.
Other names: short protein forms G214R.
Identifiers: ClinVar variation 1909730 (VCV001909730.5), dbSNP rs1384941421, ClinGen allele CA410966319.

ClinVar aggregate classification (germline): Uncertain significance (1 of 4 stars; one submission).

Allele frequency attached by ClinVar (database versions not stated): gnomAD exomes 0.00001.

Submission:

Labcorp Genetics (formerly Invitae), Labcorp
Classification: Uncertain significance. Last evaluated: 2024-08-14. Review status: criteria provided, single submitter. Criteria: Invitae Variant Classification Sherloc (09022015). Collection method: clinical testing. Allele origin: germline.
Comment: This sequence change replaces glycine, which is neutral and non-polar, with arginine, which is basic and polar, at codon 214 of the UPB1 protein (p.Gly214Arg). This variant is present in population databases (no rsID available, gnomAD 0.009%). This variant has not been reported in the literature in individuals affected with UPB1-related conditions. ClinVar contains an entry for this variant (Variation ID: 1909730). Invitae Evidence Modeling of protein sequence and biophysical properties (such as structural, functional, and spatial information, amino acid conservation, physicochemical variation, residue mobility, and thermodynamic stability) indicates that this missense variant is expected to disrupt UPB1 protein function with a positive predictive value of 80%. In summary, the available evidence is currently insufficient to determine the role of this variant in disease. Therefore, it has been classified as a Variant of Uncertain Significance.